The following is an entry in ClinVar:

NM_000038.6(APC):c.5404G>C (p.Glu1802Gln)

Gene: APC (APC regulator of Wnt signaling pathway; plus strand). Cytogenetic location: 5q22.2.
Variant type: single nucleotide variant.
Coding change: c.5404G>C on transcript NM_000038.6 (MANE Select); coding-DNA position 5404, G replaced by C.
Protein change: p.Glu1802Gln; replaces glutamic acid 1802 with glutamine.
Molecular consequence: missense variant.
Genome position (GRCh38, 1-based): chr5:112,840,998, G>C. VCF-style: chr5-112840998-G-C. GRCh37 (hg19) VCF-style: chr5-112176695-G-C.
Other names: c.5404G>C, p.Glu1802Gln (NM_001127510.3, NM_001354895.2); c.5350G>C, p.Glu1784Gln (NM_001127511.3); c.5458G>C, p.Glu1820Gln (NM_001354896.2); c.5434G>C, p.Glu1812Gln (NM_001354897.2); c.5329G>C, p.Glu1777Gln (NM_001354898.2); c.5320G>C, p.Glu1774Gln (NM_001354899.2); c.5281G>C, p.Glu1761Gln (NM_001354900.2); c.5227G>C, p.Glu1743Gln (NM_001354901.2); and 5 more; short protein forms E1784Q, E1802Q, E1642Q, E1676Q, E1701Q, E1711Q, E1820Q, E1812Q.
Identifiers: ClinVar variation 490307 (VCV000490307.18), dbSNP rs756465306, ClinGen allele CA16033142.

ClinVar aggregate classification (germline): Uncertain significance. Review status: criteria provided, multiple submitters, no conflicts (2 of 4 stars). 3 submissions from 3 submitters: Uncertain significance (3). Last evaluated 2025-12-08.

Conditions:
Hereditary cancer-predisposing syndrome. Also called: Hereditary Cancer Syndrome; Neoplastic Syndromes, Hereditary; Tumor predisposition; Hereditary neoplastic syndrome. Identifiers: Orphanet 140162, MedGen C0027672, MeSH D009386, MONDO:0015356.
Familial adenomatous polyposis 1 (FAP1). Also called: POLYPOSIS, ADENOMATOUS INTESTINAL; FAMILIAL ADENOMATOUS POLYPOSIS 1, ATTENUATED. Identifiers: MedGen C2713442, MONDO:0021056, OMIM 175100. Disease mechanism: loss of function.

Allele frequency attached by ClinVar (database versions not stated): TOPMed below 0.00001.
gnomAD v4.1: 1 of 1,612,042 alleles (0.000062%); highest among the groups gnomAD compares: Non-Finnish European, 0.000085%; no homozygotes.

Submissions (3):

Labcorp Genetics (formerly Invitae), Labcorp
Classification: Uncertain significance for Familial adenomatous polyposis 1. Last evaluated: 2025-12-08. Review status: criteria provided, single submitter. Criteria: Invitae Variant Classification Sherloc (09022015). Collection method: clinical testing. Allele origin: germline.
Comment: This sequence change replaces glutamic acid, which is acidic and polar, with glutamine, which is neutral and polar, at codon 1802 of the APC protein (p.Glu1802Gln). This variant is not present in population databases (gnomAD no frequency). This variant has not been reported in the literature in individuals affected with APC-related conditions. ClinVar contains an entry for this variant (Variation ID: 490307). Invitae Evidence Modeling of protein sequence and biophysical properties (such as structural, functional, and spatial information, amino acid conservation, physicochemical variation, residue mobility, and thermodynamic stability) indicates that this missense variant is not expected to disrupt APC protein function with a negative predictive value of 95%. In summary, the available evidence is currently insufficient to determine the role of this variant in disease. Therefore, it has been classified as a Variant of Uncertain Significance.

Ambry Genetics
Classification: Uncertain significance for Hereditary cancer-predisposing syndrome. Last evaluated: 2025-12-06. Review status: criteria provided, single submitter. Criteria: Ambry Variant Classification Scheme 2023. Collection method: clinical testing. Allele origin: germline.
Comment: The p.E1802Q variant (also known as c.5404G>C), located in coding exon 15 of the APC gene, results from a G to C substitution at nucleotide position 5404. The glutamic acid at codon 1802 is replaced by glutamine, an amino acid with highly similar properties. This amino acid position is well conserved in available vertebrate species. In addition, in silico predictors for this gene do not accurately predict pathogenicity. Since supporting evidence is limited at this time, the clinical significance of this alteration remains unclear.

Color Diagnostics, LLC DBA Color Health
Classification: Uncertain significance for Hereditary cancer-predisposing syndrome. Last evaluated: 2019-05-14. Review status: criteria provided, single submitter. Criteria: ACMG Guidelines, 2015. Collection method: clinical testing. Allele origin: germline.